The following is an entry in ClinVar:

NM_004044.7(ATIC):c.1503+675T>C

Gene: ATIC (5-aminoimidazole-4-carboxamide ribonucleotide formyltransferase/IMP cyclohydrolase; plus strand). Cytogenetic location: 2q35.
Variant type: single nucleotide variant.
Coding change: c.1503+675T>C on transcript NM_004044.7 (MANE Select); 675 bases into the intron after coding-DNA position 1503, T replaced by C.
Molecular consequence: intron variant.
Genome position (GRCh38, 1-based): chr2:215,347,616, T>C. VCF-style: chr2-215347616-T-C. GRCh37 (hg19) VCF-style: chr2-216212339-T-C.
Identifiers: ClinVar variation 225999 (VCV000225999.11), dbSNP rs4673993, ClinGen allele CA2093377.

ClinVar aggregate classification (germline): drug response. Review status: reviewed by expert panel (3 of 4 stars). 2 submissions from 2 submitters: drug response (1). 1 of the submissions does not count toward it. Last evaluated 2021-03-24.

Conditions:
methotrexate response - Efficacy. Identifiers: MedGen CN322736.

Allele frequency attached by ClinVar (database versions not stated): gnomAD 0.25749 and 0.26540; 1000 Genomes Project 30x 0.27858; 1000 Genomes Project 0.28554; ExAC 0.39660; TOPMed 0.26262.
gnomAD v4.1: 156,759 of 490,610 alleles (32%); highest among the groups gnomAD compares: South Asian, 47%; 27,164 homozygotes.

Submissions (2):

ClinPGx
Classification: drug response for methotrexate response - Efficacy. Last evaluated: 2021-03-24. Review status: reviewed by expert panel. Criteria: Pharmacogenomics knowledge for personalized medicine. Collection method: curation. Allele origin: germline. Affected: yes.
Comment: PharmGKB Level of Evidence 2B: Variants in Level 2B clinical annotations are not in PharmGKB’s Tier 1 VIPs. These clinical annotations describe variant-drug combinations with a moderate level of evidence supporting the association. For example, the association may be found in multiple cohorts, but there may be a minority of studies that do not support the majority assertion. Level 2B clinical annotations must be supported by at least two independent publications.

Drug is not necessarily used to treat response condition

Labcorp Genetics (formerly Invitae), Labcorp
Classification: Benign. Last evaluated: 2026-02-01. Review status: criteria provided, single submitter. Criteria: Invitae Variant Classification Sherloc (09022015). Collection method: clinical testing. Allele origin: germline. Not counted in ClinVar's aggregate classification.

Literature cited by the submitters: PubMed 19193698 (cited by ClinPGx); PubMed 20847201 (cited by ClinPGx); PubMed 24967362 (cited by ClinPGx); PubMed 27676277 (cited by ClinPGx); PubMed 27992285 (cited by ClinPGx).